The following is an entry in ClinVar:

NM_001369.3(DNAH5):c.9932C>T (p.Thr3311Met)

Gene: DNAH5 (dynein axonemal heavy chain 5; minus strand). Cytogenetic location: 5p15.2.
Variant type: single nucleotide variant.
Coding change: c.9932C>T on transcript NM_001369.3 (MANE Select); coding-DNA position 9932, C replaced by T.
Protein change: p.Thr3311Met; replaces threonine 3311 with methionine.
Molecular consequence: missense variant.
Genome position (GRCh38, 1-based): chr5:13,766,145, G>A on the plus strand (C>T on the coding strand, the complement: DNAH5 is on the minus strand). VCF-style: chr5-13766145-G-A. GRCh37 (hg19) VCF-style: chr5-13766254-G-A.
Other names: c.9932C>T (NM_001369.2); short protein forms T3311M.
Identifiers: ClinVar variation 2058392 (VCV002058392.3), dbSNP rs1411648234, ClinGen allele CA359200317.

ClinVar aggregate classification (germline): Uncertain significance. Review status: criteria provided, multiple submitters, no conflicts (2 of 4 stars). 2 submissions from 2 submitters: Uncertain significance (2). Last evaluated 2023-05-12.

Conditions:
Primary ciliary dyskinesia. Also called: Ciliary dyskinesia. Identifiers: Orphanet 244, MedGen C0008780, MONDO:0016575, HP:0012265.

Allele frequency attached by ClinVar (database versions not stated): gnomAD 0.00001.
gnomAD v4.1: 8 of 1,614,070 alleles (0.0005%); highest among the groups gnomAD compares: Admixed American, 0.005%; no homozygotes.

Submissions (2):

Ambry Genetics
Classification: Uncertain significance for Primary ciliary dyskinesia. Last evaluated: 2023-05-12. Review status: criteria provided, single submitter. Criteria: Ambry Variant Classification Scheme 2023. Collection method: clinical testing. Allele origin: germline.
Comment: The p.T3311M variant (also known as c.9932C>T), located in coding exon 59 of the DNAH5 gene, results from a C to T substitution at nucleotide position 9932. The threonine at codon 3311 is replaced by methionine, an amino acid with similar properties. This amino acid position is conserved. In addition, the in silico prediction for this alteration is inconclusive. Since supporting evidence is limited at this time, the clinical significance of this alteration remains unclear.

Labcorp Genetics (formerly Invitae), Labcorp
Classification: Uncertain significance for Primary ciliary dyskinesia. Last evaluated: 2022-07-14. Review status: criteria provided, single submitter. Criteria: Invitae Variant Classification Sherloc (09022015). Collection method: clinical testing. Allele origin: germline.
Comment: This sequence change replaces threonine, which is neutral and polar, with methionine, which is neutral and non-polar, at codon 3311 of the DNAH5 protein (p.Thr3311Met). This variant is present in population databases (no rsID available, gnomAD 0.003%). This variant has not been reported in the literature in individuals affected with DNAH5-related conditions. Advanced modeling of protein sequence and biophysical properties (such as structural, functional, and spatial information, amino acid conservation, physicochemical variation, residue mobility, and thermodynamic stability) performed at Invitae indicates that this missense variant is not expected to disrupt DNAH5 protein function. In summary, the available evidence is currently insufficient to determine the role of this variant in disease. Therefore, it has been classified as a Variant of Uncertain Significance.